The following is an entry in ClinVar:

ClinVar aggregate classification (germline): Uncertain significance (1 of 4 stars; one submission).

Conditions:
Familial isolated arrhythmogenic right ventricular dysplasia. Identifiers: Orphanet 217656, MedGen C4274968, MONDO:0016342.

Submission:

All of Us Research Program, National Institutes of Health
Classification: Uncertain significance for Familial isolated arrhythmogenic right ventricular dysplasia. Last evaluated: 2024-07-20. Review status: criteria provided, single submitter. Criteria: ACMG Guidelines, 2015. Collection method: clinical testing. Allele origin: germline. Inheritance: Autosomal dominant inheritance. Observed: 1 variant allele, 1 heterozygote.
Comment: This variant is located in the 5' untranslated region of the DSC2 gene. To our knowledge, functional studies have not been reported for this variant. This variant has not been reported in individuals affected with DSC2-related disorders in the literature. This variant has not been identified in the general population by the Genome Aggregation Database (gnomAD). The available evidence is insufficient to determine the role of this variant in disease conclusively. Therefore, this variant is classified as a Variant of Uncertain Significance.

This study involves interpretation of variants in research participants for the purpose of population health screening. Participant phenotype was not available at the time of variant classification. Additional details can be found in publication PMID: 35346344, PMCID: PMC8962531

NM_024422.6(DSC2):c.-11G>A

Genes: DSC2 (desmocollin 2; minus strand), DSCAS (DSC1/DSC2 antisense RNA; plus strand). Cytogenetic location: 18q12.1.
Variant type: single nucleotide variant.
Coding change: c.-11G>A on transcript NM_024422.6 (MANE Select); 11 bases upstream of the start codon, G replaced by A.
Molecular consequence: 5 prime UTR variant.
Genome position (GRCh38, 1-based): chr18:31,101,982, C>T on the plus strand (G>A on the coding strand, the complement: DSC2 is on the minus strand). VCF-style: chr18-31101982-C-T. GRCh37 (hg19) VCF-style: chr18-28681945-C-T.
Other names: c.-11G>A (NM_004949.5).
Identifiers: ClinVar variation 3386561 (VCV003386561.1).